The following is an entry in ClinVar:

ClinVar aggregate classification (germline): Likely pathogenic (1 of 4 stars; one submission).

Submissions (2):

Labcorp Genetics (formerly Invitae), Labcorp
Classification: Likely pathogenic. Last evaluated: 2020-03-28. Review status: criteria provided, single submitter. Criteria: Invitae Variant Classification Sherloc (09022015). Collection method: clinical testing. Allele origin: germline.
Comment: This sequence change affects an acceptor splice site in intron 21 of the PCDH15 gene. It is expected to disrupt RNA splicing and likely results in an absent or disrupted protein product. This variant is not present in population databases (ExAC no frequency). In summary, the currently available evidence indicates that the variant is pathogenic, but additional data are needed to prove that conclusively. Therefore, this variant has been classified as Likely Pathogenic. Donor and acceptor splice site variants typically lead to a loss of protein function (PMID: 16199547), and loss-of-function variants in PCDH15 are known to be pathogenic (PMID: 11398101, 11487575, 14570705). This variant has not been reported in the literature in individuals with PCDH15-related conditions.

Dr. Peter K. Rogan Lab, Western University
No classification provided (evidence only). Condition: Lung cancer. Review status: no classification provided. Collection method: in vitro. Allele origin: not applicable. Functional consequence: retained intron. Not counted in ClinVar's aggregate classification.

Literature cited by the submitters: PubMed 16199547 (cited by Labcorp Genetics (formerly Invitae), Labcorp); PubMed 11398101 (cited by Labcorp Genetics (formerly Invitae), Labcorp); PubMed 11487575 (cited by Labcorp Genetics (formerly Invitae), Labcorp); PubMed 14570705 (cited by Labcorp Genetics (formerly Invitae), Labcorp).

NM_001384140.1(PCDH15):c.2869-1G>A

Gene: PCDH15 (protocadherin related 15; minus strand). Cytogenetic location: 10q21.1.
Variant type: single nucleotide variant.
Coding change: c.2869-1G>A on transcript NM_001384140.1 (MANE Select); the canonical splice acceptor site of the intron before coding-DNA position 2869, G replaced by A.
Molecular consequence: splice acceptor variant.
Genome position (GRCh38, 1-based): chr10:53,961,893, C>T on the plus strand (G>A on the coding strand, the complement: PCDH15 is on the minus strand). VCF-style: chr10-53961893-C-T. GRCh37 (hg19) VCF-style: chr10-55721653-C-T.
Other names: c.2869-1G>A (NM_001354420.2, NM_001354429.2, NM_001142772.2 and 4 more transcripts); c.2884-1G>A (NM_001142771.2, NM_001142763.2); c.2890-1G>A (NM_001354411.2); c.2905-1G>A (NM_001142769.3); c.2803-1G>A (NM_001354404.2, NM_001142773.2, NM_001142768.2); c.2758-1G>A (NM_001142767.2); c.2656-1G>A (NM_001142765.2).
Identifiers: ClinVar variation 845151 (VCV000845151.9), dbSNP rs1554883705, ClinGen allele CA376522075.